The following is an entry in ClinVar:

NM_173477.5(USH1G):c.173C>G (p.Pro58Arg)

Gene: USH1G (USH1 protein network component sans; minus strand). Cytogenetic location: 17q25.1.
Variant type: single nucleotide variant.
Coding change: c.173C>G on transcript NM_173477.5 (MANE Select); coding-DNA position 173, C replaced by G.
Protein change: p.Pro58Arg; replaces proline 58 with arginine.
Molecular consequence: missense variant. On other transcripts: intron variant (1).
Genome position (GRCh38, 1-based): chr17:74,920,663, G>C on the plus strand (C>G on the coding strand, the complement: USH1G is on the minus strand). VCF-style: chr17-74920663-G-C. GRCh37 (hg19) VCF-style: chr17-72916758-G-C.
Other names: c.-92-45C>G (NM_001282489.3); short protein forms P58R.
Identifiers: ClinVar variation 1715773 (VCV001715773.5), dbSNP rs1355092762, ClinGen allele CA400966926.

ClinVar aggregate classification (germline): Uncertain significance (1 of 4 stars; one submission).

Submission:

Labcorp Genetics (formerly Invitae), Labcorp
Classification: Uncertain significance. Last evaluated: 2022-08-08. Review status: criteria provided, single submitter. Criteria: Invitae Variant Classification Sherloc (09022015). Collection method: clinical testing. Allele origin: germline.
Comment: This variant has not been reported in the literature in individuals affected with USH1G-related conditions. This variant is not present in population databases (gnomAD no frequency). This sequence change replaces proline, which is neutral and non-polar, with arginine, which is basic and polar, at codon 58 of the USH1G protein (p.Pro58Arg). Algorithms developed to predict the effect of missense changes on protein structure and function are either unavailable or do not agree on the potential impact of this missense change (SIFT: "Not Available"; PolyPhen-2: "Probably Damaging"; Align-GVGD: "Not Available"). In summary, the available evidence is currently insufficient to determine the role of this variant in disease. Therefore, it has been classified as a Variant of Uncertain Significance.